The following is an entry in ClinVar:

ClinVar aggregate classification (germline): Uncertain significance (1 of 4 stars; one submission).

Conditions:
Emery-Dreifuss muscular dystrophy 5, autosomal dominant (EDMD5). Also called: EMERY-DREIFUSS MUSCULAR DYSTROPHY 5. Identifiers: Orphanet 261, MedGen C2751805, MONDO:0013072, OMIM 612999.

Allele frequency attached by ClinVar (database versions not stated): gnomAD exomes below 0.00001; TOPMed below 0.00001.
gnomAD v4.1: 1 of 1,613,580 alleles (0.000062%); highest among the groups gnomAD compares: Admixed American, 0.0017%; no homozygotes.

Submission:

Labcorp Genetics (formerly Invitae), Labcorp
Classification: Uncertain significance for Emery-Dreifuss muscular dystrophy 5, autosomal dominant. Last evaluated: 2022-08-19. Review status: criteria provided, single submitter. Criteria: Invitae Variant Classification Sherloc (09022015). Collection method: clinical testing. Allele origin: germline.
Comment: This sequence change replaces serine, which is neutral and polar, with proline, which is neutral and non-polar, at codon 4159 of the SYNE2 protein (p.Ser4159Pro). This variant is present in population databases (no rsID available, gnomAD 0.003%). This variant has not been reported in the literature in individuals affected with SYNE2-related conditions. In summary, the available evidence is currently insufficient to determine the role of this variant in disease. Therefore, it has been classified as a Variant of Uncertain Significance. Algorithms developed to predict the effect of missense changes on protein structure and function are either unavailable or do not agree on the potential impact of this missense change (SIFT: "Deleterious"; PolyPhen-2: "Probably Damaging"; Align-GVGD: "Class C0").

NM_182914.3(SYNE2):c.12475T>C (p.Ser4159Pro)

Gene: SYNE2 (spectrin repeat containing nuclear envelope protein 2; plus strand). Cytogenetic location: 14q23.2.
Variant type: single nucleotide variant.
Coding change: c.12475T>C on transcript NM_182914.3 (MANE Select); coding-DNA position 12475, T replaced by C.
Protein change: p.Ser4159Pro; replaces serine 4159 with proline.
Molecular consequence: missense variant.
Genome position (GRCh38, 1-based): chr14:64,102,025, T>C. VCF-style: chr14-64102025-T-C. GRCh37 (hg19) VCF-style: chr14-64568743-T-C.
Other names: c.12475T>C, p.Ser4159Pro (NM_015180.6); short protein forms S4159P.
Identifiers: ClinVar variation 2158489 (VCV002158489.4), dbSNP rs1243371319, ClinGen allele CA389954496.